The following is an entry in ClinVar:

ClinVar aggregate classification (germline): Likely pathogenic. Review status: criteria provided, single submitter (1 of 4 stars). 2 submissions from 2 submitters: Likely pathogenic (1). 1 of the submissions does not count toward it. Last evaluated 2021-07-15.

Conditions:
Glutaric aciduria, type 1. Also called: Glutaricacidemia Type 1; Glutaryl-CoA dehydrogenase deficiency; Glutaricaciduria, type I; Glutaric Acidemia Type 1; Glutaric acidemia type I; GA I. Identifiers: Orphanet 25, MedGen C0268595, MONDO:0009281, OMIM 231670.

Submissions (2):

Women's Health and Genetics/Laboratory Corporation of America, LabCorp
Classification: Likely pathogenic for Glutaric aciduria, type 1. Last evaluated: 2021-07-15. Review status: criteria provided, single submitter. Criteria: LabCorp Variant Classification Summary - May 2015. Collection method: clinical testing. Allele origin: germline.
Comment: Variant summary: GCDH c.1233delC (p.Asn411LysfsX12) results in a premature termination codon, predicted to cause a truncation of the encoded protein or absence of the protein due to nonsense mediated decay, which are commonly known mechanisms for disease. Truncations downstream of this position have been classified as pathogenic by our laboratory. The variant was absent in 250846 control chromosomes (gnomAD). To our knowledge, no occurrence of c.1233delC in individuals affected with Glutaric Acidemia Type 1 and no experimental evidence demonstrating its impact on protein function have been reported. No clinical diagnostic laboratories have submitted clinical-significance assessments for this variant to ClinVar after 2014. Based on the evidence outlined above, the variant was classified as likely pathogenic.

Natera, Inc.
Classification: Likely pathogenic for Glutaric acidemia type 1. Last evaluated: 2021-05-19. Review status: no assertion criteria provided. Collection method: clinical testing. Allele origin: germline. Not counted in ClinVar's aggregate classification.

NM_000159.4(GCDH):c.1233del (p.Asn411fs)

Gene: GCDH (glutaryl-CoA dehydrogenase; plus strand). Cytogenetic location: 19p13.13.
Variant type: Deletion.
Coding change: c.1233del on transcript NM_000159.4 (MANE Select); coding-DNA position 1233, one base deleted (C; older notation c.1233delC).
Protein change: p.Asn411fs; shifts the reading frame from asparagine 411.
Molecular consequence: frameshift variant. On other transcripts: non-coding transcript variant (2).
Genome position (GRCh38, 1-based): chr19:12,897,853, C deleted. VCF-style (leftmost placement, unchanged base first): chr19-12897852-AC-A. GRCh37 (hg19) VCF-style: chr19-13008666-AC-A.
Other names: c.1233del, p.Asn411fs (NM_013976.5); short protein forms N411fs.
Identifiers: ClinVar variation 1192272 (VCV001192272.4), dbSNP rs2145955299, ClinGen allele CA2499225381.